The following is an entry in ClinVar:

NM_016734.3(PAX5):c.616T>A (p.Ser206Thr)

Gene: PAX5 (paired box 5; minus strand). Cytogenetic location: 9p13.2.
Variant type: single nucleotide variant.
Coding change: c.616T>A on transcript NM_016734.3 (MANE Select); coding-DNA position 616, T replaced by A.
Protein change: p.Ser206Thr; replaces serine 206 with threonine.
Molecular consequence: missense variant. On other transcripts: non-coding transcript variant (2).
Genome position (GRCh38, 1-based): chr9:36,966,713, A>T on the plus strand (T>A on the coding strand, the complement: PAX5 is on the minus strand). VCF-style: chr9-36966713-A-T. GRCh37 (hg19) VCF-style: chr9-36966710-A-T.
Other names: c.616T>A, p.Ser206Thr (NM_001280552.2, NM_001280547.2, NM_001280548.2 and 2 more transcripts); c.487T>A, p.Ser163Thr (NM_001280553.2, NM_001280554.2); c.418T>A, p.Ser140Thr (NM_001280555.2); c.292T>A, p.Ser98Thr (NM_001280556.2, NM_001280551.2); short protein forms S140T, S163T, S206T, S98T.
Identifiers: ClinVar variation 4861606 (VCV004861606.1).

ClinVar aggregate classification (germline): Uncertain significance (1 of 4 stars; one submission).

Conditions:
Inborn genetic diseases. Identifiers: MedGen C0950123, MeSH D030342.

gnomAD v4.1: 2 of 1,613,142 alleles (0.00012%); highest among the groups gnomAD compares: Non-Finnish European, 0.00017%; no homozygotes.

Submission:

Ambry Genetics
Classification: Uncertain significance for Inborn genetic diseases. Last evaluated: 2026-04-11. Review status: criteria provided, single submitter. Criteria: Ambry Variant Classification Scheme 2023. Collection method: clinical testing. Allele origin: germline.
Comment: The p.S206T variant (also known as c.616T>A), located in coding exon 6 of the PAX5 gene, results from a T to A substitution at nucleotide position 616. The serine at codon 206 is replaced by threonine, an amino acid with similar properties. This amino acid position is conserved. In addition, the in silico prediction for this alteration is inconclusive. Based on the available evidence, the clinical significance of this variant remains unclear.